The following is an entry in ClinVar:

NM_000531.6(OTC):c.368G>A (p.Ser123Asn)

Gene: OTC (ornithine transcarbamylase; plus strand). Cytogenetic location: Xp11.4.
Variant type: single nucleotide variant.
Coding change: c.368G>A on transcript NM_000531.6 (MANE Select); coding-DNA position 368, G replaced by A.
Protein change: p.Ser123Asn; replaces serine 123 with asparagine.
Molecular consequence: missense variant.
Genome position (GRCh38, 1-based): chrX:38,381,411, G>A. VCF-style: chrX-38381411-G-A. GRCh37 (hg19) VCF-style: chrX-38240664-G-A.
Other names: p.Ser123Asn; short protein forms S123N.
Identifiers: ClinVar variation 1300128 (VCV001300128.5), dbSNP rs776830576, ClinGen allele CA10385845.
Genomic context (GRCh38, chrX:38,381,411, plus strand): 5'-TTCTGGGAGGACATCCTTGTTTTCTTACCACACAAGATATTCATTTGGGTGTGAATGAAA[G>A]TCTCACGGACACGGCCCGGTTTGTAAATATTTTCTTCTCTCCAAAGCTGATTTCAGAATC-3'
Protein context (NP_000522.3, residues 113-133): TQDIHLGVNE[Ser123Asn]LTDTARVLSS

ClinVar aggregate classification (germline): Uncertain significance. Review status: criteria provided, multiple submitters, no conflicts (2 of 4 stars). 3 submissions from 3 submitters: Uncertain significance (3). Last evaluated 2023-06-28.

Conditions:
Ornithine carbamoyltransferase deficiency (OTCD). Also called: ORNITHINE TRANSCARBAMYLASE DEFICIENCY; ORNITHINE TRANSCARBAMYLASE DEFICIENCY, HYPERAMMONEMIA DUE TO; OTC DEFICIENCY; Ornithine Carbamoyltransferase Deficiency Disease. Identifiers: Orphanet 664, MedGen C0268542, MONDO:0010703, OMIM 311250.

Allele frequency attached by ClinVar (database versions not stated): ExAC 0.00001; gnomAD exomes 0.00001.
gnomAD v4.1: 11 of 1,192,847 alleles (0.00092%); highest among the groups gnomAD compares: South Asian, 0.016%; no homozygotes.

Submissions (3):

All of Us Research Program, National Institutes of Health
Classification: Uncertain significance for Ornithine carbamoyltransferase deficiency. Last evaluated: 2023-06-28. Review status: criteria provided, single submitter. Criteria: ACMG Guidelines, 2015. Collection method: clinical testing. Allele origin: germline. Inheritance: X-linked inheritance. Observed: 1 variant allele, 1 heterozygote.
Comment: This study involves interpretation of variants in research participants for the purpose of population health screening. Participant phenotype was not available at the time of variant classification. Additional details can be found in publication PMID: 35346344, PMCID: PMC8962531

Foundation for Research in Genetics and Endocrinology, FRIGE's Institute of Human Genetics
Classification: Uncertain significance for Ornithine carbamoyltransferase deficiency. Last evaluated: 2021-04-08. Review status: criteria provided, single submitter. Criteria: ACMG Guidelines, 2015. Collection method: research. Allele origin: maternal. Inheritance: X-linked inheritance. Affected: yes. Observed: 1 hemizygote.
Comment: A hemizygous missense variation in exon 4 of the OTC gene that results in the amino acid substitution of Asparagine for Serine at codon 123 was detected. The observed variant c.368G>A (p.Ser123Asn) has not been reported in the 1000 genomes but is seen in one male and one female in gnomAD databases. The in silico prediction of the variant are damaging by DANN, FATHMM, SIFT and MutationTaster2. The reference codon is conserved across species. In summary, the variant meets our criteria to be classified as a variant of uncertain significance.

Neuberg Centre For Genomic Medicine, NCGM
Classification: Uncertain significance for Ornithine carbamoyltransferase deficiency. Review status: criteria provided, single submitter. Criteria: ACMG Guidelines, 2015. Collection method: clinical testing. Allele origin: germline. Inheritance: X-linked inheritance. Affected: yes.
Comment: The observed missense c.368G>A p.Ser123Asn variant in OTC gene has not been reported previously as a pathogenic variant nor as a benign variant, to our knowledge. The p.Ser123Asn variant is present with allele frequency of 0.001% in gnomAD Exomes. This variant has been submitted to the ClinVar database as Uncertain Significance. Computational evidence Polyphen - Benign, SIFT - Tolerated and MutationTaster - Disease causing predicts conflicting evidence on protein structure and function for this variant. The reference amino acid of p.Ser123Asn in OTC is predicted as conserved by GERP++ and PhyloP across 100 vertebrates. The amino acid Ser at position 123 is changed to a Asn changing protein sequence and it might alter its composition and physico_x0002_chemical properties. For these reasons, this variant has been classified as a Variant of Uncertain Significance VUS.